The following is an entry in ClinVar:

ClinVar aggregate classification (germline): Uncertain significance (1 of 4 stars; one submission).

Submission:

Dasa
Classification: Uncertain significance. Last evaluated: 2026-03-24. Review status: criteria provided, single submitter. Criteria: DASA Assertion Criteria. Collection method: clinical testing. Allele origin: germline.
Comment: NM_001135196.2(C10orf71):c.989G>C (p.Ser330Thr) is a missense variant that results in the substitution of serine with threonine. This variant is rare in population databases. Computational prediction algorithms are consistent with a benign effect. The currently available literature and clinical evidence are not sufficient to establish a definitive association between this variant and the reported condition. Therefore, this variant is classified as a variant of uncertain significance.

NM_001135196.2(C10orf71):c.989G>C (p.Ser330Thr)

Gene: C10orf71 (chromosome 10 open reading frame 71; plus strand). Cytogenetic location: 10q11.23.
Variant type: single nucleotide variant.
Coding change: c.989G>C on transcript NM_001135196.2 (MANE Select); coding-DNA position 989, G replaced by C.
Protein change: p.Ser330Thr; replaces serine 330 with threonine.
Molecular consequence: missense variant.
Genome position (GRCh38, 1-based): chr10:49,323,534, G>C. VCF-style: chr10-49323534-G-C. GRCh37 (hg19) VCF-style: chr10-50531579-G-C.
Other names: short protein forms S330T.
Identifiers: ClinVar variation 4882495 (VCV004882495.2).
Genomic context (GRCh38, chr10:49,323,534, plus strand): 5'-CCTTGCTAAGAGAACCCTGTCCTCCTGAGCGCACAGTCTCTCCCTGCCAGGTCCAGGCCA[G>C]CTGCAGTCAGGAAGAGAACAGACTTGCAGCAGGGGCTCTGTCCACATCTATACCCTGGGG-3'
Protein context (NP_001128668.1, residues 320-340): RTVSPCQVQA[Ser330Thr]CSQEENRLAA